The following is an entry in ClinVar:

NM_000321.3(RB1):c.1310G>T (p.Gly437Val)

Gene: RB1 (RB transcriptional corepressor 1; plus strand). Cytogenetic location: 13q14.2.
Variant type: single nucleotide variant.
Coding change: c.1310G>T on transcript NM_000321.3 (MANE Select); coding-DNA position 1310, G replaced by T.
Protein change: p.Gly437Val; replaces glycine 437 with valine.
Molecular consequence: missense variant.
Genome position (GRCh38, 1-based): chr13:48,377,012, G>T. VCF-style: chr13-48377012-G-T. GRCh37 (hg19) VCF-style: chr13-48951148-G-T.
Other names: short protein forms G437V.
Identifiers: ClinVar variation 1404047 (VCV001404047.8), dbSNP rs1952832211, ClinGen allele CA388162148.
Genomic context (GRCh38, chr13:48,377,012, plus strand): 5'-AAAGAGTGAAGGATATAGGATACATCTTTAAAGAGAAATTTGCTAAAGCTGTGGGACAGG[G>T]TTGTGTCGAAATTGGATCACAGGTAACTTGAATTCATTGTAATTCGTGGTACTATAGAGT-3'
Protein context (NP_000312.2, residues 427-447): KEKFAKAVGQ[Gly437Val]CVEIGSQRYK

ClinVar aggregate classification (germline): Uncertain significance (1 of 4 stars; one submission).

Conditions:
Retinoblastoma (RB1). Also called: RETINOBLASTOMA, SOMATIC. Identifiers: Orphanet 790, MedGen C0035335, MeSH D012175, MONDO:0008380, OMIM 180200, HP:0009919. Disease mechanism: loss of function. Inheritance: Both sporadic and heritable forms are tested..

Allele frequency attached by ClinVar (database versions not stated): gnomAD exomes below 0.00001; TOPMed below 0.00001.
gnomAD v4.1: 1 of 1,613,726 alleles (0.000062%); highest among the groups gnomAD compares: Non-Finnish European, 0.000085%; no homozygotes.

Submission:

Labcorp Genetics (formerly Invitae), Labcorp
Classification: Uncertain significance for Retinoblastoma. Last evaluated: 2025-08-18. Review status: criteria provided, single submitter. Criteria: Invitae Variant Classification Sherloc (09022015). Collection method: clinical testing. Allele origin: germline.
Comment: This sequence change replaces glycine, which is neutral and non-polar, with valine, which is neutral and non-polar, at codon 437 of the RB1 protein (p.Gly437Val). This variant is not present in population databases (gnomAD no frequency). This variant has not been reported in the literature in individuals affected with RB1-related conditions. ClinVar contains an entry for this variant (Variation ID: 1404047). Invitae Evidence Modeling of protein sequence and biophysical properties (such as structural, functional, and spatial information, amino acid conservation, physicochemical variation, residue mobility, and thermodynamic stability) indicates that this missense variant is not expected to disrupt RB1 protein function with a negative predictive value of 80%. In summary, the available evidence is currently insufficient to determine the role of this variant in disease. Therefore, it has been classified as a Variant of Uncertain Significance.